The following is an entry in ClinVar:

NM_016032.4(ZDHHC9):c.949A>T (p.Thr317Ser)

Gene: ZDHHC9 (zDHHC palmitoyltransferase 9; minus strand). Cytogenetic location: Xq26.1.
Variant type: single nucleotide variant.
Coding change: c.949A>T on transcript NM_016032.4 (MANE Select); coding-DNA position 949, A replaced by T.
Protein change: p.Thr317Ser; replaces threonine 317 with serine.
Molecular consequence: missense variant.
Genome position (GRCh38, 1-based): chrX:129,810,934, T>A on the plus strand (A>T on the coding strand, the complement: ZDHHC9 is on the minus strand). VCF-style: chrX-129810934-T-A. GRCh37 (hg19) VCF-style: chrX-128944910-T-A.
Other names: c.949A>T, p.Thr317Ser (NM_001008222.3); short protein forms T317S.
Identifiers: ClinVar variation 928826 (VCV000928826.6), dbSNP rs1927624839, ClinGen allele CA414581082.

ClinVar aggregate classification (germline): Uncertain significance. Review status: criteria provided, multiple submitters, no conflicts (2 of 4 stars). 3 submissions from 3 submitters: Uncertain significance (3). Last evaluated 2026-06-15.

Conditions:
Inborn genetic diseases. Identifiers: MedGen C0950123, MeSH D030342.
Intellectual developmental disorder, X-linked, syndromic, Raymond type. Also called: Syndromic X-linked intellectual disability Raymond type. Identifiers: MedGen C3275406, MONDO:0010427, OMIM 300799.

Allele frequency attached by ClinVar (database versions not stated): TOPMed 0.00001.

Submissions (3):

Ambry Genetics
Classification: Uncertain significance for Inborn genetic diseases. Last evaluated: 2026-06-15. Review status: criteria provided, single submitter. Criteria: Ambry Variant Classification Scheme 2023. Collection method: clinical testing. Allele origin: germline.

Labcorp Genetics (formerly Invitae), Labcorp
Classification: Uncertain significance for Intellectual developmental disorder, X-linked, syndromic, Raymond type. Last evaluated: 2024-09-29. Review status: criteria provided, single submitter. Criteria: Invitae Variant Classification Sherloc (09022015). Collection method: clinical testing. Allele origin: germline.
Comment: This sequence change replaces threonine, which is neutral and polar, with serine, which is neutral and polar, at codon 317 of the ZDHHC9 protein (p.Thr317Ser). This variant is not present in population databases (gnomAD no frequency). This variant has not been reported in the literature in individuals affected with ZDHHC9-related conditions. ClinVar contains an entry for this variant (Variation ID: 928826). An algorithm developed to predict the effect of missense changes on protein structure and function (PolyPhen-2) suggests that this variant is likely to be tolerated. In summary, the available evidence is currently insufficient to determine the role of this variant in disease. Therefore, it has been classified as a Variant of Uncertain Significance.

Women's Health and Genetics/Laboratory Corporation of America, LabCorp
Classification: Uncertain significance. Last evaluated: 2019-11-06. Review status: criteria provided, single submitter. Criteria: LabCorp Variant Classification Summary - May 2015. Collection method: clinical testing. Allele origin: germline.
Comment: Variant summary: ZDHHC9 c.949A>T (p.Thr317Ser) results in a conservative amino acid change in the encoded protein sequence. Five of five in-silico tools predict a benign effect of the variant on protein function. The variant was absent in 183251 control chromosomes (gnomAD). The available data on variant occurrences in the general population are insufficient to allow any conclusion about variant significance. To our knowledge, no occurrence of c.949A>T in individuals affected with Mental retardation, X-linked, syndromic, Raymond type and no experimental evidence demonstrating its impact on protein function have been reported. No clinical diagnostic laboratories have submitted clinical-significance assessments for this variant to ClinVar after 2014. Based on the evidence outlined above, the variant was classified as uncertain significance.